The following is an entry in ClinVar:

ClinVar aggregate classification (germline): Uncertain significance. Review status: criteria provided, multiple submitters, no conflicts (2 of 4 stars). 3 submissions from 3 submitters: Uncertain significance (3). Last evaluated 2025-12-16.

Allele frequency attached by ClinVar (database versions not stated): gnomAD 0.00002; gnomAD exomes 0.00002 and 0.00003; ExAC 0.00003; TOPMed 0.00004.
gnomAD v4.1: 54 of 1,612,762 alleles (0.0033%); highest among the groups gnomAD compares: Non-Finnish European, 0.0042%; no homozygotes.

Submissions (3):

Labcorp Genetics (formerly Invitae), Labcorp
Classification: Uncertain significance. Last evaluated: 2025-12-16. Review status: criteria provided, single submitter. Criteria: Invitae Variant Classification Sherloc (09022015). Collection method: clinical testing. Allele origin: germline.
Comment: This sequence change replaces arginine, which is basic and polar, with histidine, which is basic and polar, at codon 561 of the ARHGEF1 protein (p.Arg561His). This variant is present in population databases (rs781793791, gnomAD 0.004%). This variant has not been reported in the literature in individuals affected with ARHGEF1-related conditions. ClinVar contains an entry for this variant (Variation ID: 1472783). An algorithm developed to predict the effect of missense changes on protein structure and function (PolyPhen-2) suggests that this variant is likely to be tolerated. In summary, the available evidence is currently insufficient to determine the role of this variant in disease. Therefore, it has been classified as a Variant of Uncertain Significance.

Ambry Genetics
Classification: Uncertain significance. Last evaluated: 2024-12-25. Review status: criteria provided, single submitter. Criteria: Ambry Variant Classification Scheme 2023. Collection method: clinical testing. Allele origin: germline.

Blueprint Genetics
Classification: Uncertain significance. Last evaluated: 2024-07-17. Review status: criteria provided, single submitter. Criteria: ACMG Guidelines, 2015. Collection method: clinical testing. Allele origin: germline.

NM_004706.4(ARHGEF1):c.1637G>A (p.Arg546His)

Gene: ARHGEF1 (Rho guanine nucleotide exchange factor 1; plus strand). Cytogenetic location: 19q13.2.
Variant type: single nucleotide variant.
Coding change: c.1637G>A on transcript NM_004706.4 (MANE Select); coding-DNA position 1637, G replaced by A.
Protein change: p.Arg546His; replaces arginine 546 with histidine.
Molecular consequence: missense variant.
Genome position (GRCh38, 1-based): chr19:41,902,797, G>A. VCF-style: chr19-41902797-G-A. GRCh37 (hg19) VCF-style: chr19-42406947-G-A.
Other names: c.1682G>A (NM_199002.1); c.1538G>A, p.Arg513His (NM_198977.2); c.1682G>A, p.Arg561His (NM_199002.2); short protein forms R546H, R561H, R513H.
Identifiers: ClinVar variation 1472783 (VCV001472783.8), dbSNP rs781793791, ClinGen allele CA9466434.